The following is an entry in ClinVar:

ClinVar aggregate classification (germline): Benign (1 of 4 stars; one submission).

Allele frequency attached by ClinVar (database versions not stated): gnomAD 0.10190 and 0.10300; TOPMed 0.11468; 1000 Genomes Project 0.14077; 1000 Genomes Project 30x 0.14444.
gnomAD v4.1: 15,401 of 152,164 alleles (10%); highest among the groups gnomAD compares: African/African-American, 24%; 1,368 homozygotes.

Submission:

GeneDx
Classification: Benign. Last evaluated: 2018-06-14. Review status: criteria provided, single submitter. Criteria: GeneDx Variant Classification (06012015). Collection method: clinical testing. Allele origin: germline. Affected: yes.
Comment: This variant is considered likely benign or benign based on one or more of the following criteria: it is a conservative change, it occurs at a poorly conserved position in the protein, it is predicted to be benign by multiple in silico algorithms, and/or has population frequency not consistent with disease.

NM_001258392.3(CLPB):c.874-346A>G

Gene: CLPB (ClpB family mitochondrial disaggregase; minus strand). Cytogenetic location: 11q13.4.
Variant type: single nucleotide variant.
Coding change: c.874-346A>G on transcript NM_001258392.3 (MANE Select); 346 bases into the intron before coding-DNA position 874, A replaced by G.
Molecular consequence: intron variant.
Genome position (GRCh38, 1-based): chr11:72,317,566, T>C on the plus strand (A>G on the coding strand, the complement: CLPB is on the minus strand). VCF-style: chr11-72317566-T-C. GRCh37 (hg19) VCF-style: chr11-72028610-T-C.
Other names: c.787-346A>G (NM_001258393.3); c.964-346A>G (NM_030813.6); c.829-346A>G (NM_001258394.3).
Identifiers: ClinVar variation 683864 (VCV000683864.1), dbSNP rs60024067, ClinGen allele CA224396022.
Genomic context (GRCh38, chr11:72,317,566, plus strand): 5'-TTATGAGATGTGCTTATCACCTGGAGCAAGTTATTTCACCTCAGTTTTCTCATCAGCAAA[T>C]TGGGGATTAAATATTAATATGATGATGTATGTAACAGGCCTAGCATCATGCTTGGCATGG-3'